The following is an entry in ClinVar:

ClinVar aggregate classification (oncogenicity): Likely oncogenic (1 of 4 stars; one submission).

Conditions:
Acute myeloid leukemia (AML). Also called: Acute myeloid leukemia, adult; AML adult; Acute non-lymphocytic leukemia; Acute granulocytic leukemia; Leukemia, acute myeloid, somatic; Leukemia, acute myelogenous, somatic. Identifiers: Orphanet 519, MedGen C0023467, MeSH D015470, MONDO:0018874, OMIM 601626, HP:0004808. Disease mechanism: Constitutively activated FLT3.

gnomAD v4.1: 22 of 1,613,470 alleles (0.0014%); highest among the groups gnomAD compares: Non-Finnish European, 0.0018%; no homozygotes.

Submission:

Center for Virology of Infectious and Tropical Diseases (CVMIT), Mohammed V Military Teaching Hospital
Classification: Likely oncogenic for Acute myeloid leukemia. Last evaluated: 2026-10-16. Review status: criteria provided, single submitter. Criteria: ClinGen/CGC/VICC Guidelines for Oncogenicity, 2022. Collection method: research. Allele origin: somatic. Affected: yes. Observed: 1 variant allele.
Comment: ASXL1 p.Gln512Ter. Oncogenicity classified with the ClinGen/CGC/VICC SOP (Horak et al. 2022, PMID:35101336). Criteria applied: OVS1: nonsense variant truncating ASXL1 upstream of the C-terminal PHD domain; ASXL1 truncating variants are recurrent loss-of-function events in myeloid neoplasms (PMID:19388938, PMID:22031865) and define adverse risk in ELN 2022 (PMID:35797463). Total 8 points (Likely oncogenic). ClinVar at analysis (release 2022-07-09, used by Ion Reporter): not present. No current ClinVar record (consulted 2026-10-29).

Literature cited by the submitters: PubMed 19388938; PubMed 22031865; PubMed 35797463.

NM_015338.6(ASXL1):c.1534C>T (p.Gln512Ter)

Gene: ASXL1 (ASXL transcriptional regulator 1; plus strand). Cytogenetic location: 20q11.21.
Variant type: single nucleotide variant.
Coding change: c.1534C>T on transcript NM_015338.6 (MANE Select); coding-DNA position 1534, C replaced by T.
Protein change: p.Gln512Ter; replaces glutamine 512 with a stop codon.
Molecular consequence: nonsense.
Genome position (GRCh38, 1-based): chr20:32,433,732, C>T. VCF-style: chr20-32433732-C-T. GRCh37 (hg19) VCF-style: chr20-31021535-C-T.
Other names: c.1351C>T, p.Gln451Ter (NM_001363734.1); short protein forms Q451*, Q512*.
Identifiers: ClinVar variation 5038033 (VCV005038033.1).
Genomic context (GRCh38, chr20:32,433,732, plus strand): 5'-GCTGAGCCAGACAACTTGGCACGTGCCTCTGCATCTCCAGACAGAATTCCTAGCCTGCCT[C>T]AGGAAACTGTGGATCAGGAACCCAAGGATCAGAAGAGGAAATCCTTTGAGCAGGCGGCCT-3'